The following is an entry in ClinVar:

NM_001291415.2(KDM6A):c.803A>G (p.Tyr268Cys)

Gene: KDM6A (lysine demethylase 6A; plus strand). Cytogenetic location: Xp11.3.
Variant type: single nucleotide variant.
Coding change: c.803A>G on transcript NM_001291415.2 (MANE Select); coding-DNA position 803, A replaced by G.
Protein change: p.Tyr268Cys; replaces tyrosine 268 with cysteine.
Molecular consequence: missense variant. On other transcripts: non-coding transcript variant (1).
Genome position (GRCh38, 1-based): chrX:45,053,883, A>G. VCF-style: chrX-45053883-A-G. GRCh37 (hg19) VCF-style: chrX-44913128-A-G.
Other names: c.803A>G, p.Tyr268Cys (NM_001291416.2, NM_001291417.2, NM_001291418.2 and 9 more transcripts); c.50A>G, p.Tyr17Cys (NM_001291421.2); short protein forms Y17C, Y268C.
Identifiers: ClinVar variation 3369289 (VCV003369289.2).
Genomic context (GRCh38, chrX:45,053,883, plus strand): 5'-CTGTAGGTTGGATGCATCACACTGTAGATCTCCTGGGAGATAAAGCCACCAAGGAAAGCT[A>G]TGCTATTCAGTATCTCCAAAAGTCCTTGGAAGCAGATCCTAATTCTGGCCAGTCCTGGTA-3'
Protein context (NP_001278344.1, residues 258-278): LLGDKATKES[Tyr268Cys]AIQYLQKSLE

ClinVar aggregate classification (germline): Uncertain significance (1 of 4 stars; one submission).

gnomAD v4.1: 1 of 1,199,289 alleles (0.000083%); highest among the groups gnomAD compares: East Asian, 0.003%; no homozygotes.

Submission:

GeneDx
Classification: Uncertain significance. Last evaluated: 2026-10-15. Review status: criteria provided, single submitter. Criteria: GeneDx Variant Classification Process June 2021. Collection method: clinical testing. Allele origin: germline.
Comment: Not observed at significant frequency in large population cohorts (gnomAD); In silico analysis supports that this missense variant has a deleterious effect on protein structure/function; Has not been previously published as pathogenic or benign to our knowledge